The following is an entry in ClinVar:

NM_001031725.6(DDX59):c.1232A>G (p.Asn411Ser)

Gene: DDX59 (DEAD-box helicase 59; minus strand). Cytogenetic location: 1q32.1.
Variant type: single nucleotide variant.
Coding change: c.1232A>G on transcript NM_001031725.6 (MANE Select); coding-DNA position 1232, A replaced by G.
Protein change: p.Asn411Ser; replaces asparagine 411 with serine.
Molecular consequence: missense variant. On other transcripts: intron variant (3).
Genome position (GRCh38, 1-based): chr1:200,650,507, T>C on the plus strand (A>G on the coding strand, the complement: DDX59 is on the minus strand). VCF-style: chr1-200650507-T-C. GRCh37 (hg19) VCF-style: chr1-200619635-T-C.
Other names: c.1232A>G, p.Asn411Ser (NM_001320181.2, NM_001349799.3, NM_001349800.3 and 2 more transcripts); c.1063-5990A>G (NM_001349804.2); c.1063-1281A>G (NM_001349803.3); c.973-1281A>G (NM_001320182.1); short protein forms N411S.
Identifiers: ClinVar variation 2381743 (VCV002381743.26), dbSNP rs146518838, ClinGen allele CA1318332.

ClinVar aggregate classification (germline): Conflicting classifications of pathogenicity. Review status: criteria provided, conflicting classifications (1 of 4 stars). 2 submissions from 2 submitters: Uncertain significance (1); Likely benign (1). Last evaluated 2022-11-01.

Conditions:
Inborn genetic diseases. Identifiers: MedGen C0950123, MeSH D030342.

Allele frequency attached by ClinVar (database versions not stated): gnomAD exomes 0.00001; TOPMed 0.00001; ExAC 0.00002; gnomAD 0.00003; 1000 Genomes Project 30x 0.00016; 1000 Genomes Project 0.00020.
gnomAD v4.1: 20 of 1,614,082 alleles (0.0012%); highest among the groups gnomAD compares: Middle Eastern, 0.033%; no homozygotes.

Submissions (2):

CeGaT Center for Human Genetics Tuebingen
Classification: Likely benign. Last evaluated: 2022-11-01. Review status: criteria provided, single submitter. Criteria: CeGaT Center For Human Genetics Tuebingen Variant Classification Criteria Version 2. Collection method: clinical testing. Allele origin: germline. Affected: yes. Observed: 1 variant allele.
Comment: DDX59: BP4

Ambry Genetics
Classification: Uncertain significance for Inborn genetic diseases. Last evaluated: 2022-10-06. Review status: criteria provided, single submitter. Criteria: Ambry Variant Classification Scheme 2023. Collection method: clinical testing. Allele origin: germline.